The following is an entry in ClinVar:

ClinVar aggregate classification (germline): Benign. Review status: criteria provided, multiple submitters, no conflicts (2 of 4 stars). 11 submissions from 11 submitters: Benign (8). 3 of the submissions do not count toward it. Last evaluated 2026-02-04.

Conditions:
Pontocerebellar hypoplasia type 1B. Also called: EXOSC3 Pontocerebellar Hypoplasia. Identifiers: Orphanet 2254, MedGen C3553449, MONDO:0013853, OMIM 614678.

Allele frequency attached by ClinVar (database versions not stated): gnomAD exomes 0.51423 and 0.53571; ESP Exome Variant Server 0.52914; ExAC 0.53347; gnomAD 0.53955 and 0.53959; TOPMed 0.54119; 1000 Genomes Project 30x 0.56152; 1000 Genomes Project 0.56410.
gnomAD v4.1: 833,309 of 1,613,092 alleles (52%); highest among the groups gnomAD compares: Admixed American, 60%; 216,752 homozygotes.

Submissions (11):

Labcorp Genetics (formerly Invitae), Labcorp
Classification: Benign for Pontocerebellar hypoplasia type 1B. Last evaluated: 2026-02-04. Review status: criteria provided, single submitter. Criteria: Invitae Variant Classification Sherloc (09022015). Collection method: clinical testing. Allele origin: germline.

Blueprint Genetics
Classification: Benign. Last evaluated: 2024-11-27. Review status: criteria provided, single submitter. Criteria: ACMG Guidelines, 2015. Collection method: clinical testing. Allele origin: germline.

Mayo Clinic Laboratories, Mayo Clinic
Classification: Benign. Last evaluated: 2022-03-24. Review status: criteria provided, single submitter. Criteria: ACMG Guidelines, 2015. Collection method: clinical testing. Allele origin: germline. Observed: 229 variant alleles.

Genome-Nilou Lab
Classification: Benign for Pontocerebellar hypoplasia type 1B. Last evaluated: 2021-08-10. Review status: criteria provided, single submitter. Criteria: ACMG Guidelines, 2015. Collection method: clinical testing. Allele origin: germline. Affected: no.

Illumina Laboratory Services, Illumina
Classification: Benign for Pontocerebellar hypoplasia type 1B. Last evaluated: 2018-01-13. Review status: criteria provided, single submitter. Criteria: ICSL Variant Classification Criteria 13 December 2019. Collection method: clinical testing. Allele origin: germline.
Comment: This variant was observed in the ICSL laboratory as part of a predisposition screen in an ostensibly healthy population. It had not been previously curated by ICSL or reported in the Human Gene Mutation Database (HGMD: prior to June 1st, 2018), and was therefore a candidate for classification through an automated scoring system. Utilizing variant allele frequency, disease prevalence and penetrance estimates, and inheritance mode, an automated score was calculated to assess if this variant is too frequent to cause the disease. Based on the score and internal cut-off values, a variant classified as benign is not then subjected to further curation. The score for this variant resulted in a classification of benign for this disease.

GeneDx
Classification: Benign. Last evaluated: 2016-01-08. Review status: criteria provided, single submitter. Criteria: GeneDx Variant Classification (06012015). Collection method: clinical testing. Allele origin: germline. Affected: yes.
Comment: This variant is considered likely benign or benign based on one or more of the following criteria: it is a conservative change, it occurs at a poorly conserved position in the protein, it is predicted to be benign by multiple in silico algorithms, and/or has population frequency not consistent with disease.

Breakthrough Genomics
Classification: Benign. Review status: criteria provided, single submitter. Criteria: ACMG Guidelines, 2015. Collection method: not provided. Allele origin: germline. Inheritance: Autosomal recessive inheritance. Affected: yes.

PreventionGenetics, part of Exact Sciences
Classification: Benign. Review status: criteria provided, single submitter. Criteria: ACMG Guidelines, 2015. Collection method: clinical testing. Allele origin: germline.

Clinical Genetics, Academic Medical Center
Classification: Benign. Review status: no assertion criteria provided. Collection method: clinical testing. Allele origin: germline. Affected: yes. Study: VKGL Data-share Consensus. Not counted in ClinVar's aggregate classification.

Diagnostic Laboratory, Department of Genetics, University Medical Center Groningen
Classification: Benign for Pontocerebellar hypoplasia type 1B. Review status: no assertion criteria provided. Collection method: clinical testing. Allele origin: germline. Affected: yes. Study: VKGL Data-share Consensus. Not counted in ClinVar's aggregate classification.

Genetic Services Laboratory, University of Chicago
Classification: Likely benign for AllHighlyPenetrant. Review status: no assertion criteria provided. Collection method: clinical testing. Allele origin: germline. Inheritance: Autosomal recessive inheritance. Not counted in ClinVar's aggregate classification.
Comment: Likely benign based on allele frequency in 1000 Genomes Project or ESP global frequency and its presence in a patient with a rare or unrelated disease phenotype. NOT Sanger confirmed.

NM_016042.4(EXOSC3):c.498G>A (p.Gln166=)

Gene: EXOSC3 (exosome component 3; minus strand). Cytogenetic location: 9p13.2.
Variant type: single nucleotide variant.
Coding change: c.498G>A on transcript NM_016042.4 (MANE Select); coding-DNA position 498, G replaced by A.
Protein change: p.Gln166=; no amino-acid change (glutamine 166 retained).
Molecular consequence: synonymous variant. On other transcripts: intron variant (1).
Genome position (GRCh38, 1-based): chr9:37,782,114, C>T on the plus strand (G>A on the coding strand, the complement: EXOSC3 is on the minus strand). VCF-style: chr9-37782114-C-T. GRCh37 (hg19) VCF-style: chr9-37782111-C-T.
Other names: p.Gln166=; c.475-1234G>A (NM_001002269.2).
Identifiers: ClinVar variation 129025 (VCV000129025.24), dbSNP rs7158, ClinGen allele CA152802.